The following is an entry in ClinVar:

ClinVar aggregate classification (germline): Uncertain significance (1 of 4 stars; one submission).

Submission:

GeneDx
Classification: Uncertain significance. Last evaluated: 2026-04-23. Review status: criteria provided, single submitter. Criteria: GeneDx Variant Classification Process June 2021. Collection method: clinical testing. Allele origin: germline.
Comment: Not observed at significant frequency in large population cohorts (gnomAD); In silico analysis suggests that this missense variant does not alter protein structure/function; Has not been previously published as pathogenic or benign to our knowledge; Also known as p.(Q33R)

NM_001243133.2(NLRP3):c.98A>G (p.Gln33Arg)

Gene: NLRP3 (NLR family pyrin domain containing 3; plus strand). Cytogenetic location: 1q44.
Variant type: single nucleotide variant.
Coding change: c.98A>G on transcript NM_001243133.2 (MANE Select); coding-DNA position 98, A replaced by G.
Protein change: p.Gln33Arg; replaces glutamine 33 with arginine.
Molecular consequence: missense variant.
Genome position (GRCh38, 1-based): chr1:247,418,898, A>G. VCF-style: chr1-247418898-A-G. GRCh37 (hg19) VCF-style: chr1-247582200-A-G.
Other names: c.98A>G, p.Gln33Arg (NM_001079821.3, NM_001127461.3, NM_001127462.3 and 1 more transcripts); c.104A>G, p.Gln35Arg (NM_004895.5); short protein forms Q33R, Q35R.
Identifiers: ClinVar variation 5037474 (VCV005037474.1).